The following is an entry in ClinVar:

NM_001378454.1(ALMS1):c.6025A>T (p.Thr2009Ser)

Gene: ALMS1 (ALMS1 centrosome and basal body associated protein; plus strand). Cytogenetic location: 2p13.1.
Variant type: single nucleotide variant.
Coding change: c.6025A>T on transcript NM_001378454.1 (MANE Select); coding-DNA position 6025, A replaced by T.
Protein change: p.Thr2009Ser; replaces threonine 2009 with serine.
Molecular consequence: missense variant.
Genome position (GRCh38, 1-based): chr2:73,452,552, A>T. VCF-style: chr2-73452552-A-T. GRCh37 (hg19) VCF-style: chr2-73679679-A-T.
Other names: c.6028A>T, p.Thr2010Ser (NM_015120.4); short protein forms T2010S, T2009S.
Identifiers: ClinVar variation 1464802 (VCV001464802.6), dbSNP rs2103788606, ClinGen allele CA347284496.

ClinVar aggregate classification (germline): Uncertain significance (1 of 4 stars; one submission).

Conditions:
Alstrom syndrome (ALMS). Identifiers: Orphanet 64, MedGen C0268425, MONDO:0008763, OMIM 203800.

Submission:

Labcorp Genetics (formerly Invitae), Labcorp
Classification: Uncertain significance for Alstrom syndrome. Last evaluated: 2021-11-07. Review status: criteria provided, single submitter. Criteria: Invitae Variant Classification Sherloc (09022015). Collection method: clinical testing. Allele origin: germline.
Comment: This variant is not present in population databases (gnomAD no frequency). This sequence change replaces threonine, which is neutral and polar, with serine, which is neutral and polar, at codon 2010 of the ALMS1 protein (p.Thr2010Ser). This variant has not been reported in the literature in individuals affected with ALMS1-related conditions. Experimental studies and prediction algorithms are not available or were not evaluated, and the functional significance of this variant is currently unknown. In summary, the available evidence is currently insufficient to determine the role of this variant in disease. Therefore, it has been classified as a Variant of Uncertain Significance.